The following is an entry in ClinVar:

NM_000168.6(GLI3):c.1853A>G (p.Tyr618Cys)

Gene: GLI3 (GLI family zinc finger 3; minus strand). Cytogenetic location: 7p14.1.
Variant type: single nucleotide variant.
Coding change: c.1853A>G on transcript NM_000168.6 (MANE Select); coding-DNA position 1853, A replaced by G.
Protein change: p.Tyr618Cys; replaces tyrosine 618 with cysteine.
Molecular consequence: missense variant.
Genome position (GRCh38, 1-based): chr7:41,972,587, T>C on the plus strand (A>G on the coding strand, the complement: GLI3 is on the minus strand). VCF-style: chr7-41972587-T-C. GRCh37 (hg19) VCF-style: chr7-42012186-T-C.
Other names: short protein forms Y618C.
Identifiers: ClinVar variation 4279828 (VCV004279828.1).

ClinVar aggregate classification (germline): Likely pathogenic (1 of 4 stars; one submission).

Conditions:
Greig cephalopolysyndactyly syndrome (GCPS). Also called: POLYSYNDACTYLY WITH PECULIAR SKULL SHAPE; Greig syndrome; GLI3-Related Greig Cephalopolysyndactyly Syndrome. Identifiers: Orphanet 380, MedGen C0265306, MONDO:0008287, OMIM 175700.

Submission:

Clinical Genomics Laboratory, Washington University in St. Louis
Classification: Likely pathogenic for Greig cephalopolysyndactyly syndrome. Last evaluated: 2025-06-11. Review status: criteria provided, single submitter. Criteria: ACMG Guidelines, 2015. Collection method: clinical testing. Allele origin: germline. Affected: yes.
Comment: The GLI3 c.1853A>G (p.Tyr618Cys) variant, to our knowledge, has not been reported in the medical literature and is absent from the general population (gnomAD v.4.1.0), indicating it is not a common variant. Computational predictors indicate that the variant is damaging, evidence that correlates with impact to GLI3 function. Based on available information and the ACMG/AMP guidelines for variant interpretation (Richards S et al., PMID: 25741868), this variant is classified as likely pathogenic.